The following is an entry in ClinVar:

ClinVar aggregate classification (germline): Uncertain significance. Review status: criteria provided, multiple submitters, no conflicts (2 of 4 stars). 6 submissions from 6 submitters: Uncertain significance (6). Last evaluated 2026-06-10.

Conditions:
TGFB3-related disorder. Also called: TGFB3-related condition.
Rienhoff syndrome. Also called: LOEYS-DIETZ SYNDROME 5. Identifiers: MedGen C3810012, MONDO:0014262, OMIM 615582.
Arrhythmogenic right ventricular dysplasia 1. Identifiers: Orphanet 3403, MedGen C1862511, MONDO:0007152, OMIM 107970.
Familial thoracic aortic aneurysm and aortic dissection (TAAD). Also called: Thoracic aortic aneurysms and dissections. Identifiers: Orphanet 91387, MedGen C4707243, MONDO:0019625.

Allele frequency attached by ClinVar (database versions not stated): gnomAD exomes 0.00001; gnomAD 0.00011 and 0.00013; TOPMed 0.00016.

Submissions (6):

PreventionGenetics, part of Exact Sciences
Classification: Uncertain significance for TGFB3-related condition. Last evaluated: 2026-06-10. Review status: criteria provided, single submitter. Criteria: ACMG Guidelines, 2015. Collection method: clinical testing. Allele origin: germline.
Comment: The TGFB3 c.1169A>T variant is predicted to result in the amino acid substitution p.Tyr390Phe. This variant has been observed in an individual from a cohort of patients with sudden cardiac death and reported as a variant of uncertain clinical significance (VUS) (Table S1B, Seidelmann et al. 2017. PubMed ID: 28087566). This variant is reported in 0.0029% of alleles in individuals of Latino descent in gnomAD. At this time, the clinical significance of this variant is uncertain due to the absence of conclusive functional and genetic evidence.

Labcorp Genetics (formerly Invitae), Labcorp
Classification: Uncertain significance for Rienhoff syndrome. Last evaluated: 2025-09-08. Review status: criteria provided, single submitter. Criteria: Invitae Variant Classification Sherloc (09022015). Collection method: clinical testing. Allele origin: germline.
Comment: This sequence change replaces tyrosine, which is neutral and polar, with phenylalanine, which is neutral and non-polar, at codon 390 of the TGFB3 protein (p.Tyr390Phe). This variant is present in population databases (no rsID available, gnomAD 0.003%). This variant has not been reported in the literature in individuals affected with TGFB3-related conditions. ClinVar contains an entry for this variant (Variation ID: 450035). Invitae Evidence Modeling of protein sequence and biophysical properties (such as structural, functional, and spatial information, amino acid conservation, physicochemical variation, residue mobility, and thermodynamic stability) indicates that this missense variant is not expected to disrupt TGFB3 protein function with a negative predictive value of 80%. In summary, the available evidence is currently insufficient to determine the role of this variant in disease. Therefore, it has been classified as a Variant of Uncertain Significance.

Ambry Genetics
Classification: Uncertain significance for Familial thoracic aortic aneurysm and aortic dissection. Last evaluated: 2024-12-28. Review status: criteria provided, single submitter. Criteria: Ambry Variant Classification Scheme 2023. Collection method: clinical testing. Allele origin: germline.

GeneDx
Classification: Uncertain significance. Last evaluated: 2024-09-03. Review status: criteria provided, single submitter. Criteria: GeneDx Variant Classification Process June 2021. Collection method: clinical testing. Allele origin: germline. Affected: yes.
Comment: Reported in a patient with sudden cardiac death in published literature; however, detailed clinical information was not provided (PMID: 28087566); Not observed at significant frequency in large population cohorts (gnomAD); In silico analysis supports that this missense variant has a deleterious effect on protein structure/function; This variant is associated with the following publications: (PMID: 28087566)

New York Genome Center
Classification: Uncertain significance for Arrhythmogenic right ventricular dysplasia 1. Last evaluated: 2022-05-11. Review status: criteria provided, single submitter. Criteria: NYGC Assertion Criteria 2020. Collection method: clinical testing. Allele origin: germline. Observed: 1 heterozygote.
Comment: However, the zygosity of the c.1169A>T variant was not specified [PMID: 28087566]. The variant has been deposited in ClinVar [ClinVar ID: 450035] as a Variant of Uncertain Significance (2 entries). The c.1169A>T variant is observed in 73 alleles (0.00927% minor allele frequency with 1 homozygote) in population databases (gnomAD v2.1.1 and v3.1.2, TOPMed Freeze8, All of US), suggesting it is not a common benign variant in the populations represented in those databases. The c.1169A>T variant is located in exon 7 of this 7-exon gene and is predicted to replace an evolutionarily conserved tyrosine amino acid with phenylalanine at position 390 in the TGF‐β2 cytokine domain of the encoded protein [PMID: 29392890]. In silico predictions are in favor of damaging effect for p.(Tyr390Phe) variant [(CADD v1.6 = 27.9, REVEL = 0.795)]; however, there are no functional studies to support or refute these predictions. Based on available evidence this c.1169A>T p.(Tyr390Phe) variant identified in TGFB3 is classified as a Variant of Uncertain Significance.

Fulgent Genetics
Classification: Uncertain significance for Arrhythmogenic right ventricular dysplasia 1; Rienhoff syndrome. Last evaluated: 2021-08-19. Review status: criteria provided, single submitter. Criteria: ACMG Guidelines, 2015. Collection method: clinical testing. Allele origin: unknown.

NM_003239.5(TGFB3):c.1169A>T (p.Tyr390Phe)

Gene: TGFB3 (transforming growth factor beta 3; minus strand). Cytogenetic location: 14q24.3.
Variant type: single nucleotide variant.
Coding change: c.1169A>T on transcript NM_003239.5 (MANE Select); coding-DNA position 1169, A replaced by T.
Protein change: p.Tyr390Phe; replaces tyrosine 390 with phenylalanine.
Molecular consequence: missense variant.
Genome position (GRCh38, 1-based): chr14:75,959,257, T>A on the plus strand (A>T on the coding strand, the complement: TGFB3 is on the minus strand). VCF-style: chr14-75959257-T-A. GRCh37 (hg19) VCF-style: chr14-76425600-T-A.
Other names: c.1169A>T (NM_003239.4); c.1169A>T, p.Tyr390Phe (NM_001329939.2); short protein forms Y390F.
Identifiers: ClinVar variation 450035 (VCV000450035.18), dbSNP rs996297395, ClinGen allele CA263700518.